The following is an entry in ClinVar:

ClinVar aggregate classification (germline): Benign/Likely benign. Review status: criteria provided, multiple submitters, no conflicts (2 of 4 stars). 5 submissions from 5 submitters: Benign (4); Likely benign (1). Last evaluated 2026-01-28.

Conditions:
GUSB-related disorder. Also called: GUSB-related condition.
Mucopolysaccharidosis type 7 (MPS7). Also called: MPS VII; GUSB DEFICIENCY; BETA-GLUCURONIDASE DEFICIENCY; SLY SYNDROME. Identifiers: Orphanet 584, MedGen C0085132, MONDO:0009662, OMIM 253220.

Allele frequency attached by ClinVar (database versions not stated): gnomAD 0.00006 and 0.00037; TOPMed 0.00014; gnomAD exomes 0.00074 and 0.00148; ExAC 0.00177; 1000 Genomes Project 30x 0.00312; 1000 Genomes Project 0.00319.
gnomAD v4.1: 1,138 of 1,613,974 alleles (0.071%); highest among the groups gnomAD compares: South Asian, 1%; 14 homozygotes.

Submissions (5):

Labcorp Genetics (formerly Invitae), Labcorp
Classification: Benign for Mucopolysaccharidosis type 7. Last evaluated: 2026-01-28. Review status: criteria provided, single submitter. Criteria: Invitae Variant Classification Sherloc (09022015). Collection method: clinical testing. Allele origin: germline.

PreventionGenetics, part of Exact Sciences
Classification: Likely benign for GUSB-related condition. Last evaluated: 2025-03-12. Review status: criteria provided, single submitter. Criteria: ACMG Guidelines, 2015. Collection method: clinical testing. Allele origin: germline.
Comment: This variant is classified as likely benign based on ACMG/AMP sequence variant interpretation guidelines (Richards et al. 2015 PMID: 25741868, with internal and published modifications).

Illumina Laboratory Services, Illumina
Classification: Benign for Mucopolysaccharidosis type 7. Last evaluated: 2018-01-12. Review status: criteria provided, single submitter. Criteria: ICSL Variant Classification Criteria 13 December 2019. Collection method: clinical testing. Allele origin: germline.
Comment: This variant was observed in the ICSL laboratory as part of a predisposition screen in an ostensibly healthy population. It had not been previously curated by ICSL or reported in the Human Gene Mutation Database (HGMD: prior to June 1st, 2018), and was therefore a candidate for classification through an automated scoring system. Utilizing variant allele frequency, disease prevalence and penetrance estimates, and inheritance mode, an automated score was calculated to assess if this variant is too frequent to cause the disease. Based on the score and internal cut-off values, a variant classified as benign is not then subjected to further curation. The score for this variant resulted in a classification of benign for this disease.

Eurofins Ntd Llc (ga)
Classification: Benign. Last evaluated: 2014-12-23. Review status: criteria provided, single submitter. Criteria: EGL Classification Definitions 2015. Collection method: clinical testing. Allele origin: germline. Observed: 1 variant allele, 1 heterozygote.

Breakthrough Genomics
Classification: Benign. Review status: criteria provided, single submitter. Criteria: ACMG Guidelines, 2015. Collection method: not provided. Allele origin: germline. Inheritance: Autosomal recessive inheritance. Affected: yes.

NM_000181.4(GUSB):c.678C>T (p.Thr226=)

Gene: GUSB (glucuronidase beta; minus strand). Cytogenetic location: 7q11.21.
Variant type: single nucleotide variant.
Coding change: c.678C>T on transcript NM_000181.4 (MANE Select); coding-DNA position 678, C replaced by T.
Protein change: p.Thr226=; no amino-acid change (threonine 226 retained).
Molecular consequence: synonymous variant. On other transcripts: non-coding transcript variant (1), intron variant (2).
Genome position (GRCh38, 1-based): chr7:65,979,445, G>A on the plus strand (C>T on the coding strand, the complement: GUSB is on the minus strand). VCF-style: chr7-65979445-G-A. GRCh37 (hg19) VCF-style: chr7-65444432-G-A.
Other names: c.108C>T, p.Thr36= (NM_001293104.2); c.67+779C>T (NM_001293105.2); c.474+389C>T (NM_001284290.2).
Identifiers: ClinVar variation 197120 (VCV000197120.20), dbSNP rs537957979, ClinGen allele CA202702.